The following is an entry in ClinVar:

ClinVar aggregate classification (germline): Conflicting classifications of pathogenicity. Review status: criteria provided, conflicting classifications (1 of 4 stars). 7 submissions from 7 submitters: Uncertain significance (1); Likely benign (4). 2 of the submissions do not count toward it. Last evaluated 2026-01-11.

Conditions:
Hereditary cancer-predisposing syndrome. Also called: Neoplastic Syndromes, Hereditary; Hereditary neoplastic syndrome; Hereditary Cancer Syndrome; Tumor predisposition. Identifiers: Orphanet 140162, MedGen C0027672, MeSH D009386, MONDO:0015356.
Polymerase proofreading-related adenomatous polyposis. Also called: Polymerase proofreading associated polyposis; Polymerase proofreading–associated polyposis (PPAP). Identifiers: Orphanet 447877, MedGen C5202613, MONDO:0018653.
POLD1-related polyposis and colorectal cancer syndrome (CRCS10). Also called: Colorectal cancer, susceptibility to, 10; Colorectal cancer 10; COLORECTAL CANCER, SUSCEPTIBILITY TO, ON CHROMOSOME 19q. Identifiers: Orphanet 220460, MedGen C2675481, MONDO:0012953, OMIM 612591.

Allele frequency attached by ClinVar (database versions not stated): ExAC 0.00016; ESP Exome Variant Server 0.00023; TOPMed 0.00029; gnomAD 0.00031.
gnomAD v4.1: 210 of 1,586,784 alleles (0.013%); highest among the groups gnomAD compares: African/African-American, 0.082%; no homozygotes.

Submissions (7):

Labcorp Genetics (formerly Invitae), Labcorp
Classification: Likely benign for POLD1-related polyposis and colorectal cancer syndrome. Last evaluated: 2026-01-11. Review status: criteria provided, single submitter. Criteria: Invitae Variant Classification Sherloc (09022015). Collection method: clinical testing. Allele origin: germline.

Blueprint Genetics
Classification: Likely benign. Last evaluated: 2024-07-11. Review status: criteria provided, single submitter. Criteria: ACMG Guidelines, 2015. Collection method: clinical testing. Allele origin: germline.

PreventionGenetics, part of Exact Sciences
Classification: Likely benign. Last evaluated: 2017-07-20. Review status: criteria provided, single submitter. Criteria: ACMG Guidelines, 2015. Collection method: clinical testing. Allele origin: germline.

GeneDx
Classification: Likely benign. Last evaluated: 2016-10-24. Review status: criteria provided, single submitter. Criteria: GeneDx Variant Classification (06012015). Collection method: clinical testing. Allele origin: germline. Affected: yes.
Comment: This variant is considered likely benign or benign based on one or more of the following criteria: it is a conservative change, it occurs at a poorly conserved position in the protein, it is predicted to be benign by multiple in silico algorithms, and/or has population frequency not consistent with disease.

Ambry Genetics
Classification: Uncertain significance for Hereditary cancer-predisposing syndrome. Last evaluated: 2015-10-17. Review status: criteria provided, single submitter. Criteria: Ambry Variant Classification Scheme 2023. Collection method: clinical testing. Allele origin: germline.
Comment: The c.3121-14G>A intronic alteration consists of a G to A substitution 14 nucleotides before coding exon 25 in the POLD1 gene. Based on insufficient or conflicting evidence, the clinical significance of this alteration remains unclear.

Counsyl
Classification: Likely benign for POLD1-related polyposis and colorectal cancer syndrome. Last evaluated: 2016-11-07. Review status: no assertion criteria provided. Collection method: clinical testing. Allele origin: unknown. Not counted in ClinVar's aggregate classification.

Department of Pathology and Laboratory Medicine, Sinai Health System
Classification: Likely benign for Polymerase proofreading-related adenomatous polyposis. Review status: no assertion criteria provided. Collection method: clinical testing. Allele origin: unknown. Affected: yes. Study: The Canadian Open Genetics Repository (COGR). Not counted in ClinVar's aggregate classification.
Comment: The POLD1 c.3121-14G>A variant was not identified in the literature. The variant was identified in dbSNP (ID: rs367766963) as â€šÃ„ÃºWith Likely benign alleleâ€šÃ„Ã¹ and ClinVar (classified as likely benign by GeneDx, PreventionGenetics and Counsyl). The variant was identified in control databases in 36 of 231642 chromosomes at a frequency of 0.0002 (Genome Aggregation Database Feb 27, 2017). The variant was observed in the following populations: African in 15 of 20212 chromosomes (freq: 0.0007), Latino in 9 of 30460 chromosomes (freq: 0.0003), European Non-Finnish in 9 of 102726 chromosomes (freq: 0.00009), East Asian in 2 of 16182 chromosomes (freq: 0.0001), and South Asian in 1 of 27054 chromosomes (freq: 0.00004); it was not observed in the Other, Ashkenazi Jewish, or European Finnish populations. The variant occurs outside of the splicing consensus sequence and in silico or computational prediction software programs (SpliceSiteFinder, MaxEntScan, NNSPLICE, GeneSplicer) do not predict a difference in splicing. In summary, based on the above information, the clinical significance of this variant cannot be determined with certainty at this time although we would lean towards a more benign role for this variant. This variant is classified as likely benign.

NM_002691.4(POLD1):c.3121-14G>A

Gene: POLD1 (DNA polymerase delta 1, catalytic subunit; plus strand). Cytogenetic location: 19q13.33.
Variant type: single nucleotide variant.
Coding change: c.3121-14G>A on transcript NM_002691.4 (MANE Select); 14 bases into the intron before coding-DNA position 3121, G replaced by A.
Molecular consequence: intron variant.
Genome position (GRCh38, 1-based): chr19:50,417,158, G>A. VCF-style: chr19-50417158-G-A. GRCh37 (hg19) VCF-style: chr19-50920415-G-A.
Other names: c.3199-14G>A (NM_001308632.1, LRG_785t2); c.3121-14G>A (LRG_785t1, NM_001256849.1, NM_002691.2).
Identifiers: ClinVar variation 372064 (VCV000372064.15), dbSNP rs367766963, ClinGen allele CA9596766.